The following is an entry in ClinVar:

ClinVar aggregate classification (germline): Uncertain significance (1 of 4 stars; one submission).

Conditions:
Aortic aneurysm, familial thoracic 8 (AAT8). Identifiers: MedGen C3809513, MONDO:0014187, OMIM 615436.

Submission:

Labcorp Genetics (formerly Invitae), Labcorp
Classification: Uncertain significance for Aortic aneurysm, familial thoracic 8. Last evaluated: 2025-05-22. Review status: criteria provided, single submitter. Criteria: Invitae Variant Classification Sherloc (09022015). Collection method: clinical testing. Allele origin: germline.
Comment: This sequence change creates a premature translational stop signal (p.Glu111*) in the PRKG1 gene. It is expected to result in an absent or disrupted protein product. However, the current clinical and genetic evidence is not sufficient to establish whether loss-of-function variants in PRKG1 cause disease. This variant is not present in population databases (gnomAD no frequency). This variant has not been reported in the literature in individuals affected with PRKG1-related conditions. In summary, the available evidence is currently insufficient to determine the role of this variant in disease. Therefore, it has been classified as a Variant of Uncertain Significance.

NM_006258.4(PRKG1):c.331G>T (p.Glu111Ter)

Gene: PRKG1 (protein kinase cGMP-dependent 1; plus strand). Cytogenetic location: 10q21.1.
Variant type: single nucleotide variant.
Coding change: c.331G>T on transcript NM_006258.4 (MANE Select); coding-DNA position 331, G replaced by T.
Protein change: p.Glu111Ter; replaces glutamic acid 111 with a stop codon.
Molecular consequence: nonsense.
Genome position (GRCh38, 1-based): chr10:51,153,183, G>T. VCF-style: chr10-51153183-G-T. GRCh37 (hg19) VCF-style: chr10-52912943-G-T.
Other names: c.286G>T, p.Glu96Ter (NM_001098512.3); c.331G>T, p.Glu111Ter (NM_001374782.1); short protein forms E111*, E96*.
Identifiers: ClinVar variation 4720076 (VCV004720076.1).